The following is an entry in ClinVar:

ClinVar aggregate classification (germline): Likely benign (1 of 4 stars; one submission).

Conditions:
SYNM-related disorder. Also called: SYNM-related condition.

Allele frequency attached by ClinVar (database versions not stated): gnomAD exomes below 0.00001.
gnomAD v4.1: 2 of 1,613,906 alleles (0.00012%); highest among the groups gnomAD compares: Non-Finnish European, 0.000085%; no homozygotes.

Submission:

PreventionGenetics, part of Exact Sciences
Classification: Likely benign for SYNM-related condition. Last evaluated: 2022-05-10. Review status: criteria provided, single submitter. Criteria: ACMG Guidelines, 2015. Collection method: clinical testing. Allele origin: germline.
Comment: This variant is classified as likely benign based on ACMG/AMP sequence variant interpretation guidelines (Richards et al. 2015 PMID: 25741868, with internal and published modifications).

NM_145728.3(SYNM):c.4635A>G (p.Glu1545=)

Gene: SYNM (synemin; plus strand). Cytogenetic location: 15q26.3.
Variant type: single nucleotide variant.
Coding change: c.4635A>G on transcript NM_145728.3 (MANE Select); coding-DNA position 4635, A replaced by G.
Protein change: p.Glu1545=; no amino-acid change (glutamic acid 1545 retained).
Molecular consequence: synonymous variant.
Genome position (GRCh38, 1-based): chr15:99,132,995, A>G. VCF-style: chr15-99132995-A-G. GRCh37 (hg19) VCF-style: chr15-99673200-A-G.
Other names: c.3699A>G, p.Glu1233= (NM_015286.6).
Identifiers: ClinVar variation 3045624 (VCV003045624.1), dbSNP rs1555486260, ClinGen allele CA492474303.